The following is an entry in ClinVar:

NM_000455.5(STK11):c.863-7T>C

Gene: STK11 (serine/threonine kinase 11; plus strand). Cytogenetic location: 19p13.3.
Variant type: single nucleotide variant.
Coding change: c.863-7T>C on transcript NM_000455.5 (MANE Select); 7 bases into the intron before coding-DNA position 863, T replaced by C.
Molecular consequence: intron variant.
Genome position (GRCh38, 1-based): chr19:1,221,942, T>C. VCF-style: chr19-1221942-T-C. GRCh37 (hg19) VCF-style: chr19-1221941-T-C.
Identifiers: ClinVar variation 704207 (VCV000704207.11), dbSNP rs1599928242, ClinGen allele CA915951591.

ClinVar aggregate classification (germline): Likely benign. Review status: criteria provided, multiple submitters, no conflicts (2 of 4 stars). 3 submissions from 3 submitters: Likely benign (3). Last evaluated 2025-09-24.

Conditions:
Hereditary cancer-predisposing syndrome. Also called: Tumor predisposition; Hereditary neoplastic syndrome; Neoplastic Syndromes, Hereditary; Hereditary Cancer Syndrome. Identifiers: Orphanet 140162, MedGen C0027672, MeSH D009386, MONDO:0015356.
Peutz-Jeghers syndrome (PJS). Also called: POLYPOSIS, HAMARTOMATOUS INTESTINAL; POLYPS-AND-SPOTS SYNDROME; Peutz-Jeghers polyposis; Periorificial lentiginosis syndrome. Identifiers: Orphanet 2869, MedGen C0031269, MeSH D010580, MONDO:0008280, OMIM 175200.

Allele frequency attached by ClinVar (database versions not stated): gnomAD exomes below 0.00001.
gnomAD v4.1: 2 of 1,554,838 alleles (0.00013%); highest among the groups gnomAD compares: Non-Finnish European, 0.000087%; no homozygotes.

Submissions (3):

Labcorp Genetics (formerly Invitae), Labcorp
Classification: Likely benign for Peutz-Jeghers syndrome. Last evaluated: 2025-09-24. Review status: criteria provided, single submitter. Criteria: Invitae Variant Classification Sherloc (09022015). Collection method: clinical testing. Allele origin: germline.

Color Diagnostics, LLC DBA Color Health
Classification: Likely benign for Hereditary cancer-predisposing syndrome. Last evaluated: 2025-05-12. Review status: criteria provided, single submitter. Criteria: ACMG Guidelines, 2015. Collection method: clinical testing. Allele origin: germline.

Myriad Genetics, Inc.
Classification: Likely benign for Peutz-Jeghers syndrome. Last evaluated: 2025-03-27. Review status: criteria provided, single submitter. Criteria: Myriad Autosomal Dominant, Autosomal Recessive and X-Linked Classification Criteria (2023). Collection method: clinical testing. Allele origin: unknown.
Comment: This variant is considered likely benign. This variant is intronic and is not expected to impact mRNA splicing.